The following is an entry in ClinVar:

NM_005689.4(ABCB6):c.1719+6C>G

Gene: ABCB6 (ATP binding cassette subfamily B member 6 (LAN blood group); minus strand). Cytogenetic location: 2q35.
Variant type: single nucleotide variant.
Coding change: c.1719+6C>G on transcript NM_005689.4 (MANE Select); 6 bases into the intron after coding-DNA position 1719, C replaced by G.
Molecular consequence: intron variant.
Genome position (GRCh38, 1-based): chr2:219,213,433, G>C on the plus strand (C>G on the coding strand, the complement: ABCB6 is on the minus strand). VCF-style: chr2-219213433-G-C. GRCh37 (hg19) VCF-style: chr2-220078155-G-C.
Other names: c.1581+6C>G (NM_001349828.2).
Identifiers: ClinVar variation 4771778 (VCV004771778.1).

ClinVar aggregate classification (germline): Uncertain significance (1 of 4 stars; one submission).

gnomAD v4.1: 1 of 1,614,094 alleles (0.000062%); highest among the groups gnomAD compares: Non-Finnish European, 0.000085%; no homozygotes.

Submission:

Labcorp Genetics (formerly Invitae), Labcorp
Classification: Uncertain significance. Last evaluated: 2025-10-03. Review status: criteria provided, single submitter. Criteria: Invitae Variant Classification Sherloc (09022015). Collection method: clinical testing. Allele origin: germline.
Comment: This sequence change falls in intron 11 of the ABCB6 gene. It does not directly change the encoded amino acid sequence of the ABCB6 protein. It affects a nucleotide within the consensus splice site. This variant is present in population databases (rs768164605, gnomAD 0.0009%). This variant has not been reported in the literature in individuals affected with ABCB6-related conditions. Variants that disrupt the consensus splice site are a relatively common cause of aberrant splicing (PMID: 17576681, 9536098). Algorithms developed to predict the effect of sequence changes on RNA splicing suggest that this variant is not likely to affect RNA splicing. In summary, the available evidence is currently insufficient to determine the role of this variant in disease. Therefore, it has been classified as a Variant of Uncertain Significance.

Literature cited by the submitters: PubMed 17576681; PubMed 9536098.